The following is an entry in ClinVar:

ClinVar aggregate classification (germline): Uncertain significance. Review status: criteria provided, multiple submitters, no conflicts (2 of 4 stars). 8 submissions from 8 submitters: Uncertain significance (7). 1 of the submissions does not count toward it. Last evaluated 2026-09-01.

Conditions:
Inborn genetic diseases. Identifiers: MedGen C0950123, MeSH D030342.
Polycystic kidney disease, adult type (PKD1). Also called: Polycystic Kidney, Autosomal Dominant; POLYCYSTIC KIDNEY DISEASE 1 WITH OR WITHOUT POLYCYSTIC LIVER DISEASE; Polycystic Kidney Disease 1, Autosomal Dominant; Polycystic kidney disease 1; Polycystic kidney disease 1, severe; POLYCYSTIC KIDNEY DISEASE, ADULT, TYPE I. Identifiers: MedGen C3149841, MONDO:0008263, OMIM 173900.

Allele frequency attached by ClinVar (database versions not stated): gnomAD 0.00001; gnomAD exomes 0.00001.
gnomAD v4.1: 9 of 1,552,352 alleles (0.00058%); highest among the groups gnomAD compares: African/African-American, 0.0014%; no homozygotes.

Submissions (8):

CeGaT Center for Human Genetics Tuebingen
Classification: Uncertain significance. Last evaluated: 2026-09-01. Review status: criteria provided, single submitter. Criteria: CeGaT Center For Human Genetics Tuebingen Variant Classification Criteria Version 2. Collection method: clinical testing. Allele origin: germline. Affected: yes. Observed: 1 variant allele.
Comment: PKD1: PM2, PM3, BP4

Ambry Genetics
Classification: Uncertain significance for Inborn genetic diseases. Last evaluated: 2026-06-17. Review status: criteria provided, single submitter. Criteria: Ambry Variant Classification Scheme 2023. Collection method: clinical testing. Allele origin: germline.

Women's Health and Genetics/Laboratory Corporation of America, LabCorp
Classification: Uncertain significance. Last evaluated: 2026-03-06. Review status: criteria provided, single submitter. Criteria: LabCorp Variant Classification Summary - May 2015. Collection method: clinical testing. Allele origin: germline.
Comment: Variant summary: PKD1 c.10481C>T (p.Thr3494Met) results in a non-conservative amino acid change in the encoded protein sequence. Algorithms developed to predict the effect of missense changes on protein structure and function are either unavailable or do not agree on the potential impact of this missense change. The variant allele was found at a frequency of 6.2e-06 in 160424 control chromosomes. The available data on variant occurrences in the general population are insufficient to allow any conclusion about variant significance. To our knowledge, no occurrence of c.10481C>T in individuals affected with PKD1-related conditions and no experimental evidence demonstrating its impact on protein function have been reported. ClinVar contains an entry for this variant (Variation ID: 1310256). Based on the evidence outlined above, the variant was classified as uncertain significance.

Genomic Medicine Center of Excellence, King Faisal Specialist Hospital and Research Centre
Classification: Uncertain significance for Polycystic kidney disease, adult type. Last evaluated: 2025-09-10. Review status: criteria provided, single submitter. Criteria: ACMG Guidelines, 2015. Collection method: clinical testing. Allele origin: germline.

Fulgent Genetics
Classification: Uncertain significance for Polycystic kidney disease, adult type. Last evaluated: 2024-06-18. Review status: criteria provided, single submitter. Criteria: ACMG Guidelines, 2015. Collection method: clinical testing. Allele origin: germline.

GeneDx
Classification: Uncertain significance. Last evaluated: 2024-03-27. Review status: criteria provided, single submitter. Criteria: GeneDx Variant Classification Process June 2021. Collection method: clinical testing. Allele origin: germline. Affected: yes.
Comment: In silico analysis, which includes protein predictors and evolutionary conservation, supports that this variant does not alter protein structure/function; Has not been previously published as pathogenic or benign to our knowledge; Not observed at significant frequency in large population cohorts (gnomAD)

Blueprint Genetics
Classification: Uncertain significance. Last evaluated: 2023-02-15. Review status: criteria provided, single submitter. Criteria: ACMG Guidelines, 2015. Collection method: clinical testing. Allele origin: germline.

Immunogenetics and Transplant Biology Service, University Hospital "Città della Salute e della Scienza di Torino"
Classification: Likely benign for Polycystic kidney disease, adult type. Last evaluated: 2023-07-03. Review status: no assertion criteria provided. Collection method: clinical testing. Allele origin: inherited. Affected: no. Not counted in ClinVar's aggregate classification.

NM_001009944.3(PKD1):c.10481C>T (p.Thr3494Met)

Gene: PKD1 (polycystin 1, transient receptor potential channel interacting; minus strand). Cytogenetic location: 16p13.3.
Variant type: single nucleotide variant.
Coding change: c.10481C>T on transcript NM_001009944.3 (MANE Select); coding-DNA position 10481, C replaced by T.
Protein change: p.Thr3494Met; replaces threonine 3494 with methionine.
Molecular consequence: missense variant.
Genome position (GRCh38, 1-based): chr16:2,097,166, G>A on the plus strand (C>T on the coding strand, the complement: PKD1 is on the minus strand). VCF-style: chr16-2097166-G-A. GRCh37 (hg19) VCF-style: chr16-2147167-G-A.
Other names: c.10478C>T, p.Thr3493Met (NM_000296.4); c.10478C>T (NM_000296.3); short protein forms T3493M, T3494M.
Identifiers: ClinVar variation 1310256 (VCV001310256.10), dbSNP rs752503970, ClinGen allele CA7829574.